The following is an entry in ClinVar:

NM_004958.4(MTOR):c.5591C>T (p.Pro1864Leu)

Gene: MTOR (mechanistic target of rapamycin kinase; minus strand). Cytogenetic location: 1p36.22.
Variant type: single nucleotide variant.
Coding change: c.5591C>T on transcript NM_004958.4 (MANE Select); coding-DNA position 5591, C replaced by T.
Protein change: p.Pro1864Leu; replaces proline 1864 with leucine.
Molecular consequence: missense variant.
Genome position (GRCh38, 1-based): chr1:11,130,551, G>A on the plus strand (C>T on the coding strand, the complement: MTOR is on the minus strand). VCF-style: chr1-11130551-G-A. GRCh37 (hg19) VCF-style: chr1-11190608-G-A.
Other names: c.5591C>T (NM_004958.3); short protein forms P1864L.
Identifiers: ClinVar variation 1002410 (VCV001002410.8), dbSNP rs750903815, ClinGen allele CA589299.

ClinVar aggregate classification (germline): Uncertain significance. Review status: criteria provided, multiple submitters, no conflicts (2 of 4 stars). 3 submissions from 3 submitters: Uncertain significance (3). Last evaluated 2024-11-04.

Conditions:
Inborn genetic diseases. Identifiers: MedGen C0950123, MeSH D030342.

Allele frequency attached by ClinVar (database versions not stated): gnomAD 0.00002; ExAC 0.00003; gnomAD exomes 0.00003; TOPMed 0.00003.
gnomAD v4.1: 102 of 1,613,148 alleles (0.0063%); highest among the groups gnomAD compares: Non-Finnish European, 0.0081%; no homozygotes.

Submissions (3):

Labcorp Genetics (formerly Invitae), Labcorp
Classification: Uncertain significance. Last evaluated: 2024-11-04. Review status: criteria provided, single submitter. Criteria: Invitae Variant Classification Sherloc (09022015). Collection method: clinical testing. Allele origin: germline.
Comment: This sequence change replaces proline, which is neutral and non-polar, with leucine, which is neutral and non-polar, at codon 1864 of the MTOR protein (p.Pro1864Leu). This variant is present in population databases (rs750903815, gnomAD 0.006%). This variant has not been reported in the literature in individuals affected with MTOR-related conditions. ClinVar contains an entry for this variant (Variation ID: 1002410). Invitae Evidence Modeling of protein sequence and biophysical properties (such as structural, functional, and spatial information, amino acid conservation, physicochemical variation, residue mobility, and thermodynamic stability) indicates that this missense variant is not expected to disrupt MTOR protein function with a negative predictive value of 95%. In summary, the available evidence is currently insufficient to determine the role of this variant in disease. Therefore, it has been classified as a Variant of Uncertain Significance.

Ambry Genetics
Classification: Uncertain significance for Inborn genetic diseases. Last evaluated: 2021-07-20. Review status: criteria provided, single submitter. Criteria: Ambry Variant Classification Scheme 2023. Collection method: clinical testing. Allele origin: germline.

Breakthrough Genomics
Classification: Uncertain significance. Review status: criteria provided, single submitter. Criteria: ACMG Guidelines, 2015. Collection method: not provided. Allele origin: germline. Inheritance: Autosomal dominant inheritance. Affected: yes.